The following is an entry in ClinVar:

ClinVar aggregate classification (germline): Uncertain significance (1 of 4 stars; one submission).

Submission:

GeneDx
Classification: Uncertain significance. Last evaluated: 2026-08-06. Review status: criteria provided, single submitter. Criteria: GeneDx Variant Classification Process June 2021. Collection method: clinical testing. Allele origin: germline.
Comment: Not observed at significant frequency in large population cohorts (gnomAD); In silico analysis supports that this missense variant has a deleterious effect on protein structure/function; Has not been previously published as pathogenic or benign to our knowledge; This substitution is predicted to be within the extracellular loop between the S5 and S6 transmembrane segments of the first homologous domain

NM_001040142.2(SCN2A):c.1046A>G (p.Glu349Gly)

Gene: SCN2A (sodium voltage-gated channel alpha subunit 2; plus strand). Cytogenetic location: 2q24.3.
Variant type: single nucleotide variant.
Coding change: c.1046A>G on transcript NM_001040142.2 (MANE Select); coding-DNA position 1046, A replaced by G.
Protein change: p.Glu349Gly; replaces glutamic acid 349 with glycine.
Molecular consequence: missense variant.
Genome position (GRCh38, 1-based): chr2:165,313,631, A>G. VCF-style: chr2-165313631-A-G. GRCh37 (hg19) VCF-style: chr2-166170141-A-G.
Other names: c.1046A>G, p.Glu349Gly (NM_001040143.2, NM_001371246.1, NM_001371247.1 and 1 more transcripts); short protein forms E349G.
Identifiers: ClinVar variation 4083025 (VCV004083025.2).
Genomic context (GRCh38, chr2:165,313,631, plus strand): 5'-GCAGACTTGCCGTTATTGACTTCCTTTCTTTCCTCTAACCTAATTATAGCCAGTGTCCTG[A>G]AGGATACATCTGTGTGAAGGCTGGTAGAAACCCCAACTATGGCTACACGAGCTTTGACAC-3'
Protein context (NP_001035232.1, residues 339-359): GNSSDAGQCP[Glu349Gly]GYICVKAGRN